The following is an entry in ClinVar:

ClinVar aggregate classification (germline): Uncertain significance (1 of 4 stars; one submission).

Conditions:
3-methylglutaconic aciduria type 1 (MGCA1). Identifiers: Orphanet 67046, MedGen C0342727, MONDO:0009610, OMIM 250950.

gnomAD v4.1: 7 of 1,567,578 alleles (0.00045%); highest among the groups gnomAD compares: African/African-American, 0.0054%; no homozygotes.

Submission:

Labcorp Genetics (formerly Invitae), Labcorp
Classification: Uncertain significance for 3-methylglutaconic aciduria type 1. Last evaluated: 2023-08-04. Review status: criteria provided, single submitter. Criteria: Invitae Variant Classification Sherloc (09022015). Collection method: clinical testing. Allele origin: germline.
Comment: In summary, the available evidence is currently insufficient to determine the role of this variant in disease. Therefore, it has been classified as a Variant of Uncertain Significance. An algorithm developed to predict the effect of missense changes on protein structure and function (PolyPhen-2) suggests that this variant¬†is likely to be tolerated. ClinVar contains an entry for this variant (Variation ID: 1060370). This variant has not been reported in the literature in individuals affected with AUH-related conditions. This variant is not present in population databases (gnomAD no frequency). This sequence change replaces glycine, which is neutral and non-polar, with valine, which is neutral and non-polar, at codon 66 of the AUH protein (p.Gly66Val).

NM_001698.3(AUH):c.197G>T (p.Gly66Val)

Genes: AUH (AU RNA binding methylglutaconyl-CoA hydratase; minus strand), LOC130002059 (ATAC-STARR-seq lymphoblastoid silent region 20025; plus strand). Cytogenetic location: 9q22.31.
Variant type: single nucleotide variant.
Coding change: c.197G>T on transcript NM_001698.3 (MANE Select); coding-DNA position 197, G replaced by T.
Protein change: p.Gly66Val; replaces glycine 66 with valine.
Molecular consequence: missense variant. On other transcripts: 5 prime UTR variant (3).
Genome position (GRCh38, 1-based): chr9:91,361,693, C>A on the plus strand (G>T on the coding strand, the complement: AUH is on the minus strand). VCF-style: chr9-91361693-C-A. GRCh37 (hg19) VCF-style: chr9-94123975-C-A.
Other names: c.197G>T, p.Gly66Val (NM_001306190.2); c.-201G>T (NM_001351431.2, NM_001351433.2); c.-293G>T (NM_001351432.2); short protein forms G66V.
Identifiers: ClinVar variation 1060370 (VCV001060370.5), dbSNP rs1323577454, ClinGen allele CA373836311.